The following is an entry in ClinVar:

NM_001605.3(AARS1):c.2130C>T (p.Pro710=)

Gene: AARS1 (alanyl-tRNA synthetase 1; minus strand). Cytogenetic location: 16q22.1.
Variant type: single nucleotide variant.
Coding change: c.2130C>T on transcript NM_001605.3 (MANE Select); coding-DNA position 2130, C replaced by T.
Protein change: p.Pro710=; no amino-acid change (proline 710 retained).
Molecular consequence: synonymous variant.
Genome position (GRCh38, 1-based): chr16:70,258,080, G>A on the plus strand (C>T on the coding strand, the complement: AARS1 is on the minus strand). VCF-style: chr16-70258080-G-A. GRCh37 (hg19) VCF-style: chr16-70291983-G-A.
Identifiers: ClinVar variation 1682163 (VCV001682163.16), dbSNP rs780604407, ClinGen allele CA8140555.

ClinVar aggregate classification (germline): Likely benign. Review status: criteria provided, multiple submitters, no conflicts (2 of 4 stars). 2 submissions from 2 submitters: Likely benign (2). Last evaluated 2025-08-01.

Conditions:
Charcot-Marie-Tooth disease type 2. Also called: Charcot-Marie-Tooth type 2. Identifiers: Orphanet 64746, MedGen C0270914, MONDO:0018993.

Allele frequency attached by ClinVar (database versions not stated): gnomAD exomes below 0.00001 and 0.00001; TOPMed below 0.00001; ExAC 0.00001; gnomAD 0.00001.

Submissions (2):

CeGaT Center for Human Genetics Tuebingen
Classification: Likely benign. Last evaluated: 2025-08-01. Review status: criteria provided, single submitter. Criteria: CeGaT Center For Human Genetics Tuebingen Variant Classification Criteria Version 2. Collection method: clinical testing. Allele origin: germline. Affected: yes. Observed: 1 variant allele.
Comment: AARS1: BP4, BP7

Labcorp Genetics (formerly Invitae), Labcorp
Classification: Likely benign for Charcot-Marie-Tooth disease type 2. Last evaluated: 2025-05-27. Review status: criteria provided, single submitter. Criteria: Invitae Variant Classification Sherloc (09022015). Collection method: clinical testing. Allele origin: germline.